The following is an entry in ClinVar:

NM_006236.3(POU3F3):c.591CGC[3] (p.Ala201_Ala204del)

Gene: POU3F3 (POU class 3 homeobox 3; plus strand). Cytogenetic location: 2q12.1.
Variant type: Microsatellite.
Coding change: c.591CGC[3] on transcript NM_006236.3 (MANE Select); three copies in a row of the 3-base unit CGC starting at c.591; the reference has seven copies in a row; four copies, 12 bases deleted.
Protein change: p.Ala201_Ala204del.
Genome position (GRCh38, 1-based): chr2:104,856,110-104,856,121, CGCCGCCGCCGC deleted; deleting any 12 consecutive bases within chr2:104,856,099-104,856,121 gives the same sequence; the position shown is the placement nearest the transcript's 3' end. VCF-style (leftmost placement, unchanged base first): chr2-104856098-AGCCGCCGCCGCC-A. GRCh37 (hg19) VCF-style: chr2-105472556-AGCCGCCGCCGCC-A.
Identifiers: ClinVar variation 4072767 (VCV004072767.1).

ClinVar aggregate classification (germline): Uncertain significance (1 of 4 stars; one submission).

Submission:

GeneDx
Classification: Uncertain significance. Last evaluated: 2025-01-31. Review status: criteria provided, single submitter. Criteria: GeneDx Variant Classification Process June 2021. Collection method: clinical testing. Allele origin: germline. Affected: yes.
Comment: Not observed at significant frequency in large population cohorts (gnomAD); In-frame deletion of 4 of amino acid(s) in a repetitive region with no known function; Has not been previously published as pathogenic or benign to our knowledge